The following is an entry in ClinVar:

ClinVar aggregate classification (germline): Uncertain significance (1 of 4 stars; one submission).

Conditions:
Inborn genetic diseases. Identifiers: MedGen C0950123, MeSH D030342.

gnomAD v4.1: 2 of 1,613,390 alleles (0.00012%); highest among the groups gnomAD compares: Non-Finnish European, 0.00017%; no homozygotes.

Submission:

Ambry Genetics
Classification: Uncertain significance for Inborn genetic diseases. Last evaluated: 2024-05-04. Review status: criteria provided, single submitter. Criteria: Ambry Variant Classification Scheme 2023. Collection method: clinical testing. Allele origin: germline.
Comment: The p.L8V variant (also known as c.22C>G), located in coding exon 1 of the ATR gene, results from a C to G substitution at nucleotide position 22. The leucine at codon 8 is replaced by valine, an amino acid with highly similar properties. This amino acid position is conserved. In addition, this alteration is predicted to be tolerated by in silico analysis. Based on the available evidence, the clinical significance of this variant remains unclear.

NM_001184.4(ATR):c.22C>G (p.Leu8Val)

Genes: ATR (ATR serine/threonine kinase; minus strand), LOC129937703 (ATAC-STARR-seq lymphoblastoid active region 20643; plus strand). Cytogenetic location: 3q23.
Variant type: single nucleotide variant.
Coding change: c.22C>G on transcript NM_001184.4 (MANE Select); coding-DNA position 22, C replaced by G.
Protein change: p.Leu8Val; replaces leucine 8 with valine.
Molecular consequence: missense variant.
Genome position (GRCh38, 1-based): chr3:142,578,683, G>C on the plus strand (C>G on the coding strand, the complement: ATR is on the minus strand). VCF-style: chr3-142578683-G-C. GRCh37 (hg19) VCF-style: chr3-142297525-G-C.
Other names: c.22C>G, p.Leu8Val (NM_001354579.2); short protein forms L8V.
Identifiers: ClinVar variation 3331826 (VCV003331826.1).